The following is an entry in ClinVar:

NM_000051.4(ATM):c.1027G>A (p.Glu343Lys)

Gene: ATM (ATM serine/threonine kinase; plus strand). Cytogenetic location: 11q22.3.
Variant type: single nucleotide variant.
Coding change: c.1027G>A on transcript NM_000051.4 (MANE Select); coding-DNA position 1027, G replaced by A.
Protein change: p.Glu343Lys; replaces glutamic acid 343 with lysine.
Molecular consequence: missense variant.
Genome position (GRCh38, 1-based): chr11:108,247,089, G>A. VCF-style: chr11-108247089-G-A. GRCh37 (hg19) VCF-style: chr11-108117816-G-A.
Other names: c.1027G>A, p.Glu343Lys (NM_001351834.2); short protein forms E343K.
Identifiers: ClinVar variation 1366472 (VCV001366472.8), dbSNP rs2135268427, ClinGen allele CA382531613.

ClinVar aggregate classification (germline): Uncertain significance (1 of 4 stars; one submission).

Conditions:
Ataxia-telangiectasia syndrome (AT). Also called: Cerebello-oculocutaneous telangiectasia; Immunodeficiency with ataxia telangiectasia; AT, COMPLEMENTATION GROUP C; Ataxia-telangiectasia, complementation group E; LOUIS-BAR SYNDROME; ATAXIA-TELANGIECTASIA, COMPLEMENTATION GROUP A. Identifiers: Orphanet 100, MedGen C0004135, MONDO:0008840, OMIM 208900.

Submission:

Labcorp Genetics (formerly Invitae), Labcorp
Classification: Uncertain significance for Ataxia-telangiectasia syndrome. Last evaluated: 2021-07-09. Review status: criteria provided, single submitter. Criteria: Invitae Variant Classification Sherloc (09022015). Collection method: clinical testing. Allele origin: germline.
Comment: This sequence change replaces glutamic acid with lysine at codon 343 of the ATM protein (p.Glu343Lys). The glutamic acid residue is moderately conserved and there is a small physicochemical difference between glutamic acid and lysine. This variant is not present in population databases (ExAC no frequency). This variant has not been reported in the literature in individuals affected with ATM-related conditions. In summary, the available evidence is currently insufficient to determine the role of this variant in disease. Therefore, it has been classified as a Variant of Uncertain Significance. Advanced modeling of protein sequence and biophysical properties (such as structural, functional, and spatial information, amino acid conservation, physicochemical variation, residue mobility, and thermodynamic stability) performed at Invitae indicates that this missense variant is not expected to disrupt ATM protein function.